The following is an entry in ClinVar:

ClinVar aggregate classification (germline): Uncertain significance (1 of 4 stars; one submission).

Conditions:
Arrhythmogenic cardiomyopathy with wooly hair and keratoderma. Also called: Carvajal syndrome; PALMOPLANTAR KERATODERMA WITH LEFT VENTRICULAR CARDIOMYOPATHY AND WOOLLY HAIR; Dilated cardiomyopathy with woolly hair and keratoderma; Arrhythmogenic cardiomyopathy with woolly hair and keratoderma. Identifiers: Orphanet 65282, MedGen C1854063, MONDO:0011581, OMIM 605676.

Allele frequency attached by ClinVar (database versions not stated): gnomAD exomes below 0.00001.
gnomAD v4.1: 1 of 1,612,798 alleles (0.000062%); highest among the groups gnomAD compares: Non-Finnish European, 0.000085%; no homozygotes.

Submission:

All of Us Research Program, National Institutes of Health
Classification: Uncertain significance for Arrhythmogenic cardiomyopathy with wooly hair and keratoderma. Last evaluated: 2023-02-24. Review status: criteria provided, single submitter. Criteria: ACMG Guidelines, 2015. Collection method: clinical testing. Allele origin: germline. Inheritance: Autosomal dominant inheritance. Observed: 1 variant allele, 1 heterozygote.
Comment: This variant causes a C to G nucleotide substitution at the -7 position of intron 18 of the DSP gene. To our knowledge, functional studies have not been reported for this variant. This variant has not been reported in individuals affected with DSP-related disorders in the literature. This variant has been identified in 1/250942 chromosomes in the general population by the Genome Aggregation Database (gnomAD). The available evidence is insufficient to determine the role of this variant in disease conclusively. Therefore, this variant is classified as a Variant of Uncertain Significance.

This study involves interpretation of variants in research participants for the purpose of population health screening. Participant phenotype was not available at the time of variant classification. Additional details can be found in publication PMID: 35346344, PMCID: PMC8962531

NM_004415.4(DSP):c.2631-7C>G

Gene: DSP (desmoplakin; plus strand). Cytogenetic location: 6p24.3.
Variant type: single nucleotide variant.
Coding change: c.2631-7C>G on transcript NM_004415.4 (MANE Select); 7 bases into the intron before coding-DNA position 2631, C replaced by G.
Molecular consequence: intron variant.
Genome position (GRCh38, 1-based): chr6:7,576,287, C>G. VCF-style: chr6-7576287-C-G. GRCh37 (hg19) VCF-style: chr6-7576520-C-G.
Other names: c.2631-7C>G (NM_001319034.2, NM_001008844.3).
Identifiers: ClinVar variation 3069640 (VCV003069640.1), dbSNP rs1360834149, ClinGen allele CA565358334.